The following is an entry in ClinVar:

ClinVar aggregate classification (germline): Conflicting classifications of pathogenicity. Review status: criteria provided, conflicting classifications (1 of 4 stars). 3 submissions from 3 submitters: Uncertain significance (2); Likely benign (1). Last evaluated 2025-06-23.

Conditions:
Primary ciliary dyskinesia. Also called: Ciliary dyskinesia. Identifiers: Orphanet 244, MedGen C0008780, MONDO:0016575, HP:0012265.
Primary ciliary dyskinesia 3. Identifiers: Orphanet 244, MedGen C1837618, MONDO:0012085, OMIM 608644.

Allele frequency attached by ClinVar (database versions not stated): gnomAD exomes 0.00003 and 0.00006; ExAC 0.00007; gnomAD 0.00027 and 0.00031; TOPMed 0.00035; ESP Exome Variant Server 0.00038.
gnomAD v4.1: 87 of 1,614,068 alleles (0.0054%); highest among the groups gnomAD compares: African/African-American, 0.11%; no homozygotes.

Submissions (3):

Labcorp Genetics (formerly Invitae), Labcorp
Classification: Likely benign for Primary ciliary dyskinesia. Last evaluated: 2025-06-23. Review status: criteria provided, single submitter. Criteria: Invitae Variant Classification Sherloc (09022015). Collection method: clinical testing. Allele origin: germline.

Ambry Genetics
Classification: Uncertain significance for Primary ciliary dyskinesia. Last evaluated: 2021-05-25. Review status: criteria provided, single submitter. Criteria: Ambry Variant Classification Scheme 2023. Collection method: clinical testing. Allele origin: germline.
Comment: The p.R3332K variant (also known as c.9995G>A), located in coding exon 59 of the DNAH5 gene, results from a G to A substitution at nucleotide position 9995. The arginine at codon 3332 is replaced by lysine, an amino acid with highly similar properties. This amino acid position is highly conserved in available vertebrate species. In addition, this alteration is predicted to be tolerated by in silico analysis. Since supporting evidence is limited at this time, the clinical significance of this alteration remains unclear.

Illumina Laboratory Services, Illumina
Classification: Uncertain significance for Primary ciliary dyskinesia 3. Last evaluated: 2018-01-13. Review status: criteria provided, single submitter. Criteria: ICSL Variant Classification Criteria 13 December 2019. Collection method: clinical testing. Allele origin: germline.

NM_001369.3(DNAH5):c.9995G>A (p.Arg3332Lys)

Gene: DNAH5 (dynein axonemal heavy chain 5; minus strand). Cytogenetic location: 5p15.2.
Variant type: single nucleotide variant.
Coding change: c.9995G>A on transcript NM_001369.3 (MANE Select); coding-DNA position 9995, G replaced by A.
Protein change: p.Arg3332Lys; replaces arginine 3332 with lysine.
Molecular consequence: missense variant.
Genome position (GRCh38, 1-based): chr5:13,766,082, C>T on the plus strand (G>A on the coding strand, the complement: DNAH5 is on the minus strand). VCF-style: chr5-13766082-C-T. GRCh37 (hg19) VCF-style: chr5-13766191-C-T.
Other names: short protein forms R3332K.
Identifiers: ClinVar variation 906484 (VCV000906484.11), dbSNP rs138968139, ClinGen allele CA3202358.